The following is an entry in ClinVar:

ClinVar aggregate classification (germline): Conflicting classifications of pathogenicity. Review status: criteria provided, conflicting classifications (1 of 4 stars). 3 submissions from 3 submitters: Likely pathogenic (1); Uncertain significance (1); Likely benign (1). Last evaluated 2025-10-31.

Conditions:
Maturity-onset diabetes of the young type 8 (MODY8). Also called: DIABETES-PANCREATIC EXOCRINE DYSFUNCTION SYNDROME; DIABETES AND PANCREATIC EXOCRINE DYSFUNCTION. Identifiers: Orphanet 552, MedGen C1853297, MONDO:0012348, OMIM 609812.

Submissions (3):

Diagnostics Services (NGS), CSIR - Centre For Cellular And Molecular Biology
Classification: Likely pathogenic for Maturity-onset diabetes of the young type 8. Last evaluated: 2025-10-31. Review status: criteria provided, single submitter. Criteria: ACMG Guidelines, 2015. Collection method: clinical testing. Allele origin: germline. Affected: yes. Observed: 1 variant allele, 1 heterozygote.
Comment: The c.1801del variant is not present in publicly available population databases like 1000 Genomes and EVS. The variant is present in gnomAD, Indian Exome Database and our internal database at low frequences. This variant has not been published in the literature for CEL-related conditions. It has been previously reported to the ClinVar database (Accession ID: VCV003893039.1) as ‘Uncertain Significance’ by a single submitter. In-silico pathogenicity prediction programs like MutationTaster2021, CADD, Franklin, Varsome, etc. predicted this variant to be likely deleterious. This variant causes frameshift at the 601st amino acid position of the wild-type transcript which creates a premature translational stop signal at the altered transcript that may either result in translation of a truncated protein or cause nonsense mediated decay of the mRNA.

Blueprint Genetics
Classification: Likely benign. Last evaluated: 2024-11-15. Review status: criteria provided, single submitter. Criteria: ACMG Guidelines, 2015. Collection method: clinical testing. Allele origin: germline.

Department of Pathology and Laboratory Medicine, Sinai Health System
Classification: Uncertain significance for Maturity-onset diabetes of the young type 8. Last evaluated: 2023-08-22. Review status: criteria provided, single submitter. Criteria: ACMG Guidelines, 2015. Collection method: research. Allele origin: germline.

NM_001807.6(CEL):c.1801del (p.Ala601fs)

Gene: CEL (carboxyl ester lipase; plus strand). Cytogenetic location: 9q34.13.
Variant type: Deletion.
Coding change: c.1801del on transcript NM_001807.6 (MANE Select); coding-DNA position 1801, one base deleted (G; older notation c.1801delG).
Protein change: p.Ala601fs; shifts the reading frame from alanine 601.
Molecular consequence: frameshift variant.
Genome position (GRCh38, 1-based): chr9:133,071,303, G deleted; the last of 4 consecutive G bases (chr9:133,071,300-133,071,303); deleting any one gives the same sequence. VCF-style (leftmost placement, unchanged base first): chr9-133071299-CG-C. GRCh37 (hg19) VCF-style: chr9-135946686-CG-C.
Other names: short protein forms A601fs.
Identifiers: ClinVar variation 3893039 (VCV003893039.3).